The following is an entry in ClinVar:

ClinVar aggregate classification (germline): Uncertain significance (1 of 4 stars; one submission).

Submission:

Labcorp Genetics (formerly Invitae), Labcorp
Classification: Uncertain significance. Last evaluated: 2022-06-13. Review status: criteria provided, single submitter. Criteria: Invitae Variant Classification Sherloc (09022015). Collection method: clinical testing. Allele origin: germline.
Comment: In summary, the available evidence is currently insufficient to determine the role of this variant in disease. Therefore, it has been classified as a Variant of Uncertain Significance. Experimental studies and prediction algorithms are not available or were not evaluated, and the functional significance of this variant is currently unknown. This variant has not been reported in the literature in individuals affected with COL10A1-related conditions. This sequence change creates a premature translational stop signal (p.Arg138Glnfs*32) in the COL10A1 gene. While this is not anticipated to result in nonsense mediated decay, it is expected to disrupt the last 543 amino acid(s) of the COL10A1 protein.

NC_000006.11:g.(?_116441795)_(116442866_?)del

Genes: COL10A1 (collagen type X alpha 1 chain; minus strand), NT5DC1 (5'-nucleotidase domain containing 1; plus strand). Cytogenetic location: 6q22.1.
Variant type: Deletion.
Identifiers: ClinVar variation 1409703 (VCV001409703.8).